The following is an entry in ClinVar:

NM_000059.4(BRCA2):c.306A>C (p.Lys102Asn)

Gene: BRCA2 (BRCA2 DNA repair associated; plus strand). Cytogenetic location: 13q13.1.
Variant type: single nucleotide variant.
Coding change: c.306A>C on transcript NM_000059.4 (MANE Select); coding-DNA position 306, A replaced by C.
Protein change: p.Lys102Asn; replaces lysine 102 with asparagine.
Molecular consequence: missense variant. On other transcripts: 5 prime UTR variant (1), non-coding transcript variant (1).
Genome position (GRCh38, 1-based): chr13:32,319,315, A>C. VCF-style: chr13-32319315-A-C. GRCh37 (hg19) VCF-style: chr13-32893452-A-C.
Other names: c.306A>C, p.Lys102Asn (NM_001406719.1, NM_001406720.1, NM_001406721.1 and 1 more transcripts); c.-64A>C (NM_001406722.1); short protein forms K102N.
Identifiers: ClinVar variation 5033272 (VCV005033272.1).

ClinVar aggregate classification (germline): Uncertain significance (1 of 4 stars; one submission).

Conditions:
Hereditary cancer-predisposing syndrome. Also called: Neoplastic Syndromes, Hereditary; Tumor predisposition; Hereditary neoplastic syndrome; Hereditary Cancer Syndrome. Identifiers: Orphanet 140162, MedGen C0027672, MeSH D009386, MONDO:0015356.

Submission:

Ambry Genetics
Classification: Uncertain significance for Hereditary cancer-predisposing syndrome. Last evaluated: 2026-07-06. Review status: criteria provided, single submitter. Criteria: Ambry Variant Classification Scheme 2023. Collection method: clinical testing. Allele origin: germline.
Comment: The p.K102N variant (also known as c.306A>C), located in coding exon 2 of the BRCA2 gene, results from an A to C substitution at nucleotide position 306. The lysine at codon 102 is replaced by asparagine, an amino acid with similar properties. This amino acid position is conserved. In addition, this alteration is predicted to be tolerated by in silico analysis. Based on the available evidence, the clinical significance of this variant remains unclear.